The following is an entry in ClinVar:

NM_201384.3(PLEC):c.11754C>T (p.Ile3918=)

Gene: PLEC (plectin; minus strand). Cytogenetic location: 8q24.3.
Variant type: single nucleotide variant.
Coding change: c.11754C>T on transcript NM_201384.3 (MANE Select); coding-DNA position 11754, C replaced by T.
Protein change: p.Ile3918=; no amino-acid change (isoleucine 3918 retained).
Molecular consequence: synonymous variant.
Genome position (GRCh38, 1-based): chr8:143,918,067, G>A on the plus strand (C>T on the coding strand, the complement: PLEC is on the minus strand). VCF-style: chr8-143918067-G-A. GRCh37 (hg19) VCF-style: chr8-144992235-G-A.
Other names: c.11835C>T, p.Ile3945= (NM_000445.5); c.11712C>T, p.Ile3904= (NM_201378.4); c.11688C>T, p.Ile3896= (NM_201379.3); c.12165C>T, p.Ile4055= (NM_201380.4); c.11658C>T, p.Ile3886= (NM_201381.3); c.11754C>T, p.Ile3918= (NM_201382.4); c.11766C>T, p.Ile3922= (NM_201383.3).
Identifiers: ClinVar variation 738336 (VCV000738336.13), dbSNP rs781980270, ClinGen allele CA4924252.

ClinVar aggregate classification (germline): Likely benign. Review status: criteria provided, multiple submitters, no conflicts (2 of 4 stars). 3 submissions from 3 submitters: Likely benign (3). Last evaluated 2026-09-02.

Conditions:
Epidermolysis bullosa simplex 5C, with pyloric atresia (EBS5C). Also called: PLEC-Related Epidermolysis Bullosa with Pyloric Atresia; Epidermolysis bullosa simplex with pyloric atresia; PLEC1-Related Epidermolysis Bullosa with Pyloric Atresia. Identifiers: Orphanet 158684, MedGen C2677349, MONDO:0012807, OMIM 612138.
Epidermolysis bullosa simplex 5B, with muscular dystrophy (EBS5B). Also called: Epidermolysis bullosa simplex with muscular dystrophy; EPIDERMOLYSIS BULLOSA SIMPLEX AND LIMB-GIRDLE MUSCULAR DYSTROPHY. Identifiers: Orphanet 257, MedGen C2931072, MONDO:0009181, OMIM 226670.
Autosomal recessive limb-girdle muscular dystrophy type 2Q (LGMDR17). Also called: MUSCULAR DYSTROPHY, LIMB-GIRDLE, AUTOSOMAL RECESSIVE 17. Identifiers: Orphanet 254361, MedGen C3150989, MONDO:0013390, OMIM 613723.
Epidermolysis bullosa simplex, Ogna type (EBS5A). Also called: Pidermolysis bullosa simplex 5A, Ogna type; EPIDERMOLYSIS BULLOSA SIMPLEX 5A, OGNA TYPE. Identifiers: Orphanet 79401, MedGen C0432317, MONDO:0007555, OMIM 131950.
Epidermolysis bullosa simplex with nail dystrophy (EBS5D). Identifiers: MedGen C4225309, MONDO:0014661, OMIM 616487.
PLEC-related disorder. Also called: PLEC-related disorders; PLEC-related condition.

Allele frequency attached by ClinVar (database versions not stated): ExAC below 0.00001; gnomAD exomes 0.00001; gnomAD 0.00002; TOPMed 0.00002.
gnomAD v4.1: 42 of 1,600,812 alleles (0.0026%); highest among the groups gnomAD compares: Admixed American, 0.0068%; no homozygotes.

Submissions (3):

PreventionGenetics, part of Exact Sciences
Classification: Likely benign for PLEC-related condition. Last evaluated: 2026-09-02. Review status: criteria provided, single submitter. Criteria: ACMG Guidelines, 2015. Collection method: clinical testing. Allele origin: germline.
Comment: This variant is classified as likely benign based on ACMG/AMP sequence variant interpretation guidelines (Richards et al. 2015 PMID: 25741868, with internal and published modifications).

CeGaT Center for Human Genetics Tuebingen
Classification: Likely benign. Last evaluated: 2026-07-01. Review status: criteria provided, single submitter. Criteria: CeGaT Center For Human Genetics Tuebingen Variant Classification Criteria Version 2. Collection method: clinical testing. Allele origin: germline. Affected: yes. Observed: 1 variant allele.
Comment: PLEC: BP4, BP7

Labcorp Genetics (formerly Invitae), Labcorp
Classification: Likely benign for Autosomal recessive limb-girdle muscular dystrophy type 2Q; Epidermolysis bullosa simplex, Ogna type; Epidermolysis bullosa simplex with nail dystrophy; Epidermolysis bullosa simplex 5C, with pyloric atresia; Epidermolysis bullosa simplex 5B, with muscular dystrophy. Last evaluated: 2023-10-13. Review status: criteria provided, single submitter. Criteria: Invitae Variant Classification Sherloc (09022015). Collection method: clinical testing. Allele origin: germline.